The following is an entry in ClinVar:

ClinVar aggregate classification (germline): Uncertain significance (1 of 4 stars; one submission).

Conditions:
Perlman syndrome (PRLMNS). Identifiers: Orphanet 2849, MedGen C0796113, MONDO:0009965, OMIM 267000.

Allele frequency attached by ClinVar (database versions not stated): gnomAD exomes below 0.00001.
gnomAD v4.1: 3 of 1,610,936 alleles (0.00019%); highest among the groups gnomAD compares: Non-Finnish European, 0.00017%; no homozygotes.

Submission:

Labcorp Genetics (formerly Invitae), Labcorp
Classification: Uncertain significance for Perlman syndrome. Last evaluated: 2023-10-23. Review status: criteria provided, single submitter. Criteria: Invitae Variant Classification Sherloc (09022015). Collection method: clinical testing. Allele origin: germline.
Comment: This sequence change replaces alanine, which is neutral and non-polar, with valine, which is neutral and non-polar, at codon 781 of the DIS3L2 protein (p.Ala781Val). The frequency data for this variant in the population databases is considered unreliable, as metrics indicate poor data quality at this position in the gnomAD database. This variant has not been reported in the literature in individuals affected with DIS3L2-related conditions. ClinVar contains an entry for this variant (Variation ID: 1495371). Advanced modeling of protein sequence and biophysical properties (such as structural, functional, and spatial information, amino acid conservation, physicochemical variation, residue mobility, and thermodynamic stability) performed at Invitae indicates that this missense variant is not expected to disrupt DIS3L2 protein function. In summary, the available evidence is currently insufficient to determine the role of this variant in disease. Therefore, it has been classified as a Variant of Uncertain Significance.

NM_152383.5(DIS3L2):c.2342C>T (p.Ala781Val)

Gene: DIS3L2 (DIS3 like 3'-5' exoribonuclease 2; plus strand). Cytogenetic location: 2q37.1.
Variant type: single nucleotide variant.
Coding change: c.2342C>T on transcript NM_152383.5 (MANE Select); coding-DNA position 2342, C replaced by T.
Protein change: p.Ala781Val; replaces alanine 781 with valine.
Molecular consequence: missense variant. On other transcripts: non-coding transcript variant (2), intron variant (1).
Genome position (GRCh38, 1-based): chr2:232,334,683, C>T. VCF-style: chr2-232334683-C-T. GRCh37 (hg19) VCF-style: chr2-233199393-C-T.
Other names: c.1582-8662C>T (NM_001257281.2); short protein forms A781V.
Identifiers: ClinVar variation 1495371 (VCV001495371.6), dbSNP rs1258800876, ClinGen allele CA350978019.